The following is an entry in ClinVar:

ClinVar aggregate classification (germline): Uncertain significance (1 of 4 stars; one submission).

Allele frequency attached by ClinVar (database versions not stated): gnomAD exomes below 0.00001.
gnomAD v4.1: 1 of 1,614,210 alleles (0.000062%); highest among the groups gnomAD compares: Non-Finnish European, 0.000085%; no homozygotes.

Submission:

Labcorp Genetics (formerly Invitae), Labcorp
Classification: Uncertain significance. Last evaluated: 2022-12-01. Review status: criteria provided, single submitter. Criteria: Invitae Variant Classification Sherloc (09022015). Collection method: clinical testing. Allele origin: germline.
Comment: This variant is not present in population databases (gnomAD no frequency). This sequence change replaces lysine, which is basic and polar, with arginine, which is basic and polar, at codon 665 of the BACH2 protein (p.Lys665Arg). This variant has not been reported in the literature in individuals affected with BACH2-related conditions. In summary, the available evidence is currently insufficient to determine the role of this variant in disease. Therefore, it has been classified as a Variant of Uncertain Significance. Advanced modeling of protein sequence and biophysical properties (such as structural, functional, and spatial information, amino acid conservation, physicochemical variation, residue mobility, and thermodynamic stability) performed at Invitae indicates that this missense variant is expected to disrupt BACH2 protein function.

NM_021813.4(BACH2):c.1994A>G (p.Lys665Arg)

Gene: BACH2 (BACH transcriptional regulator 2; minus strand). Cytogenetic location: 6q15.
Variant type: single nucleotide variant.
Coding change: c.1994A>G on transcript NM_021813.4 (MANE Select); coding-DNA position 1994, A replaced by G.
Protein change: p.Lys665Arg; replaces lysine 665 with arginine.
Molecular consequence: missense variant.
Genome position (GRCh38, 1-based): chr6:89,938,193, T>C on the plus strand (A>G on the coding strand, the complement: BACH2 is on the minus strand). VCF-style: chr6-89938193-T-C. GRCh37 (hg19) VCF-style: chr6-90647912-T-C.
Other names: c.1994A>G, p.Lys665Arg (NM_001170794.2); short protein forms K665R.
Identifiers: ClinVar variation 2817795 (VCV002817795.3), dbSNP rs2533545920, ClinGen allele CA365069302.
Genomic context (GRCh38, chr6:89,938,193, plus strand): 5'-GGTCAACTCACCAATTTGCGGATTTCACATTCTAAATTCTGAATACAGTCCAGTTTCCTT[T>C]TGCGGCAGCGCTGGGCCGCGATGCGGTTCTTGCTGCGCCGTCGGACATCATGAATAAACT-3'
Protein context (NP_068585.1, residues 655-675): KNRIAAQRCR[Lys665Arg]RKLDCIQNLE